The following is an entry in ClinVar:

ClinVar aggregate classification (germline): Uncertain significance (1 of 4 stars; one submission).

Submission:

Women's Health and Genetics/Laboratory Corporation of America, LabCorp
Classification: Uncertain significance. Last evaluated: 2021-06-28. Review status: criteria provided, single submitter. Criteria: LabCorp Variant Classification Summary - May 2015. Collection method: clinical testing. Allele origin: germline.
Comment: Variant summary: LZTR1 c.652-12C>G alters a non-conserved nucleotide located close to a canonical splice site and therefore could affect mRNA splicing, leading to a significantly altered protein sequence. 4/4 computational tools predict no significant impact on normal splicing. However, these predictions have yet to be confirmed by functional studies. The variant was absent in 251174 control chromosomes (gnomAD). The available data on variant occurrences in the general population are insufficient to allow any conclusion about variant significance. To our knowledge, no occurrence of c.652-12C>G in individuals affected with Noonan Syndrome and no experimental evidence demonstrating its impact on protein function have been reported. No clinical diagnostic laboratories have submitted clinical-significance assessments for this variant to ClinVar after 2014. Based on the evidence outlined above, the variant was classified as uncertain significance.

NM_006767.4(LZTR1):c.652-12C>G

Gene: LZTR1 (leucine zipper like post translational regulator 1; plus strand). Cytogenetic location: 22q11.21.
Variant type: single nucleotide variant.
Coding change: c.652-12C>G on transcript NM_006767.4 (MANE Select); 12 bases into the intron before coding-DNA position 652, C replaced by G.
Molecular consequence: intron variant.
Genome position (GRCh38, 1-based): chr22:20,990,374, C>G. VCF-style: chr22-20990374-C-G. GRCh37 (hg19) VCF-style: chr22-21344663-C-G.
Identifiers: ClinVar variation 1177258 (VCV001177258.1), dbSNP rs1924560781, ClinGen allele CA2499226020.
Genomic context (GRCh38, chr22:20,990,374, plus strand): 5'-AGCAGTCTCGAGTGTGGTGAAATGTGAGCGGGCCCTGTGAGGCCGGGGCTGAGCTGTCCT[C>G]TCCCCCTGCAGGTGGCCCAGAGTGGCGAGATCCCCCCATCTTGCTGCAACTTCCCCGTGG-3'